The following is an entry in ClinVar:

NM_001367868.2(PLIN4):c.1872A>G (p.Lys624=)

Gene: PLIN4 (perilipin 4; minus strand). Cytogenetic location: 19p13.3.
Variant type: single nucleotide variant.
Coding change: c.1872A>G on transcript NM_001367868.2 (MANE Select); coding-DNA position 1872, A replaced by G.
Protein change: p.Lys624=; no amino-acid change (lysine 624 retained).
Molecular consequence: synonymous variant.
Genome position (GRCh38, 1-based): chr19:4,512,088, T>C on the plus strand (A>G on the coding strand, the complement: PLIN4 is on the minus strand). VCF-style: chr19-4512088-T-C. GRCh37 (hg19) VCF-style: chr19-4512100-T-C.
Other names: c.1875A>G, p.Lys625= (NM_001393888.1, NM_001393889.1); c.1872A>G, p.Lys624= (NM_001393890.1, NM_001393891.1).
Identifiers: ClinVar variation 4872702 (VCV004872702.2).

ClinVar aggregate classification (germline): Likely benign (1 of 4 stars; one submission).

Submission:

CeGaT Center for Human Genetics Tuebingen
Classification: Likely benign. Last evaluated: 2026-04-01. Review status: criteria provided, single submitter. Criteria: CeGaT Center For Human Genetics Tuebingen Variant Classification Criteria Version 2. Collection method: clinical testing. Allele origin: germline. Affected: yes. Observed: 1 variant allele.
Comment: PLIN4: BP4, BP7, BS1